The following is an entry in ClinVar:

ClinVar aggregate classification (germline): Uncertain significance. Review status: criteria provided, multiple submitters, no conflicts (2 of 4 stars). 2 submissions from 2 submitters: Uncertain significance (2). Last evaluated 2025-12-15.

Conditions:
Hereditary cancer-predisposing syndrome. Also called: Neoplastic Syndromes, Hereditary; Hereditary Cancer Syndrome; Hereditary neoplastic syndrome; Tumor predisposition. Identifiers: Orphanet 140162, MedGen C0027672, MeSH D009386, MONDO:0015356.
Gorlin syndrome. Also called: Nevoid Basal Cell Carcinoma Syndrome; Basal cell nevus syndrome. Identifiers: Orphanet 377, MedGen C0004779, MONDO:0007187.
Medulloblastoma (MDB). Also called: MEDULLOBLASTOMA PREDISPOSITION SYNDROME; Medulloblastoma, somatic. Identifiers: Orphanet 616, MedGen C0025149, MeSH D008527, MONDO:0007959, OMIM 155255, HP:0002885.

Submissions (2):

Labcorp Genetics (formerly Invitae), Labcorp
Classification: Uncertain significance for Gorlin syndrome; Medulloblastoma. Last evaluated: 2025-12-15. Review status: criteria provided, single submitter. Criteria: Invitae Variant Classification Sherloc (09022015). Collection method: clinical testing. Allele origin: germline.
Comment: This sequence change replaces isoleucine, which is neutral and non-polar, with methionine, which is neutral and non-polar, at codon 200 of the SUFU protein (p.Ile200Met). This variant is not present in population databases (gnomAD no frequency). This variant has not been reported in the literature in individuals affected with SUFU-related conditions. ClinVar contains an entry for this variant (Variation ID: 826131). An algorithm developed to predict the effect of missense changes on protein structure and function (PolyPhen-2) suggests that this variant is likely to be disruptive. In summary, the available evidence is currently insufficient to determine the role of this variant in disease. Therefore, it has been classified as a Variant of Uncertain Significance.

Ambry Genetics
Classification: Uncertain significance for Hereditary cancer-predisposing syndrome. Last evaluated: 2024-04-14. Review status: criteria provided, single submitter. Criteria: Ambry Variant Classification Scheme 2023. Collection method: clinical testing. Allele origin: germline.
Comment: The p.I200M variant (also known as c.600C>G), located in coding exon 5 of the SUFU gene, results from a C to G substitution at nucleotide position 600. The isoleucine at codon 200 is replaced by methionine, an amino acid with highly similar properties. This amino acid position is highly conserved in available vertebrate species. In addition, this alteration is predicted to be deleterious by in silico analysis. Since supporting evidence is limited at this time, the clinical significance of this alteration remains unclear.

NM_016169.4(SUFU):c.600C>G (p.Ile200Met)

Gene: SUFU (SUFU negative regulator of hedgehog signaling; plus strand). Cytogenetic location: 10q24.32.
Variant type: single nucleotide variant.
Coding change: c.600C>G on transcript NM_016169.4 (MANE Select); coding-DNA position 600, C replaced by G.
Protein change: p.Ile200Met; replaces isoleucine 200 with methionine.
Molecular consequence: missense variant.
Genome position (GRCh38, 1-based): chr10:102,593,638, C>G. VCF-style: chr10-102593638-C-G. GRCh37 (hg19) VCF-style: chr10-104353395-C-G.
Other names: c.600C>G, p.Ile200Met (NM_001178133.2); short protein forms I200M.
Identifiers: ClinVar variation 826131 (VCV000826131.11), dbSNP rs149513330, ClinGen allele CA377909359.